The following is an entry in ClinVar:

NM_003242.6(TGFBR2):c.793C>G (p.Gln265Glu)

Gene: TGFBR2 (transforming growth factor beta receptor 2; plus strand). Cytogenetic location: 3p24.1.
Variant type: single nucleotide variant.
Coding change: c.793C>G on transcript NM_003242.6 (MANE Select); coding-DNA position 793, C replaced by G.
Protein change: p.Gln265Glu; replaces glutamine 265 with glutamic acid.
Molecular consequence: missense variant. On other transcripts: intron variant (1).
Genome position (GRCh38, 1-based): chr3:30,671,976, C>G. VCF-style: chr3-30671976-C-G. GRCh37 (hg19) VCF-style: chr3-30713468-C-G.
Other names: c.793C>G, p.Gln265Glu (NM_001407130.1); c.796C>G, p.Gln266Glu (NM_001407129.1); c.868C>G, p.Gln290Glu (NM_001024847.3); c.820C>G, p.Gln274Glu (NM_001407128.1); c.901C>G, p.Gln301Glu (NM_001407127.1); c.976C>G, p.Gln326Glu (NM_001407126.1); c.688C>G, p.Gln230Glu (NM_001407132.1, NM_001407133.1, NM_001407134.1 and 2 more transcripts); c.508C>G, p.Gln170Glu (NM_001407137.1); and 2 more; short protein forms Q230E, Q265E, Q266E, Q290E, Q145E, Q274E, Q301E, Q170E.
Identifiers: ClinVar variation 2820338 (VCV002820338.3), dbSNP rs2125434374, ClinGen allele CA351807880.
Genomic context (GRCh38, chr3:30,671,976, plus strand): 5'-GAGCTGGACACCCTGGTGGGGAAAGGTCGCTTTGCTGAGGTCTATAAGGCCAAGCTGAAG[C>G]AGAACACTTCAGAGCAGTTTGAGACAGTGGCAGTCAAGATCTTTCCCTATGAGGAGTATG-3'
Protein context (NP_003233.4, residues 255-275): FAEVYKAKLK[Gln265Glu]NTSEQFETVA

ClinVar aggregate classification (germline): Uncertain significance (1 of 4 stars; one submission).

Conditions:
Familial thoracic aortic aneurysm and aortic dissection (TAAD). Also called: Thoracic aortic aneurysms and dissections. Identifiers: Orphanet 91387, MedGen C4707243, MONDO:0019625.

Submission:

Labcorp Genetics (formerly Invitae), Labcorp
Classification: Uncertain significance for Familial thoracic aortic aneurysm and aortic dissection. Last evaluated: 2022-12-13. Review status: criteria provided, single submitter. Criteria: Invitae Variant Classification Sherloc (09022015). Collection method: clinical testing. Allele origin: germline.
Comment: In summary, the available evidence is currently insufficient to determine the role of this variant in disease. Therefore, it has been classified as a Variant of Uncertain Significance. Algorithms developed to predict the effect of missense changes on protein structure and function (SIFT, PolyPhen-2, Align-GVGD) all suggest that this variant is likely to be disruptive. This variant has not been reported in the literature in individuals affected with TGFBR2-related conditions. This variant is not present in population databases (gnomAD no frequency). This sequence change replaces glutamine, which is neutral and polar, with glutamic acid, which is acidic and polar, at codon 265 of the TGFBR2 protein (p.Gln265Glu).